The following is an entry in ClinVar:

ClinVar aggregate classification (germline): Conflicting classifications of pathogenicity. Review status: criteria provided, conflicting classifications (1 of 4 stars). 10 submissions from 10 submitters: Uncertain significance (2); Likely benign (7). 1 of the submissions does not count toward it. Last evaluated 2026-01-15.

Conditions:
AP5Z1-related disorder. Also called: AP5Z1-related condition.
Hereditary spastic paraplegia. Also called: Familial spastic paraparesis. Identifiers: Orphanet 685, MedGen C0037773, MONDO:0019064. Disease mechanism: loss of function.
Hereditary spastic paraplegia 48. Also called: Spastic paraplegia 48; SPASTIC PARAPLEGIA 48, AUTOSOMAL RECESSIVE. Identifiers: Orphanet 306511, MedGen C3150901, MONDO:0013342, OMIM 613647.

Allele frequency attached by ClinVar (database versions not stated): 1000 Genomes Project 30x 0.00078; 1000 Genomes Project 0.00080; ExAC 0.00144; TOPMed 0.00173; gnomAD 0.00192 and 0.00201; ESP Exome Variant Server 0.00227.
gnomAD v4.1: 4,592 of 1,612,872 alleles (0.28%); highest among the groups gnomAD compares: Non-Finnish European, 0.35%; 12 homozygotes.

Submissions (25):

Labcorp Genetics (formerly Invitae), Labcorp
Classification: Likely benign for Hereditary spastic paraplegia 48. Last evaluated: 2026-01-15. Review status: criteria provided, single submitter. Criteria: Invitae Variant Classification Sherloc (09022015). Collection method: clinical testing. Allele origin: germline.

CeGaT Center for Human Genetics Tuebingen
Classification: Likely benign. Last evaluated: 2025-08-01. Review status: criteria provided, single submitter. Criteria: CeGaT Center For Human Genetics Tuebingen Variant Classification Criteria Version 2. Collection method: clinical testing. Allele origin: germline. Affected: yes. Observed: 5 variant alleles.
Comment: AP5Z1: BP4, BS2

Athena Diagnostics
Classification: Likely benign. Last evaluated: 2025-04-09. Review status: criteria provided, single submitter. Criteria: Athena Diagnostics Criteria. Collection method: clinical testing. Allele origin: unknown.
Comment: The frequency of this variant in the general population is higher than would generally be expected for pathogenic variants in this gene. Computational tools predict this amino acid change may be benign.

Mayo Clinic Laboratories, Mayo Clinic
Classification: Likely benign. Last evaluated: 2024-11-27. Review status: criteria provided, single submitter. Criteria: ACMG Guidelines, 2015. Collection method: clinical testing. Allele origin: germline. Observed: 5 variant alleles.
Comment: BS1, BP4

Blueprint Genetics
Classification: Likely benign. Last evaluated: 2024-11-19. Review status: criteria provided, single submitter. Criteria: ACMG Guidelines, 2015. Collection method: clinical testing. Allele origin: germline.

Genome Diagnostics Laboratory, The Hospital for Sick Children
Classification: Likely benign for Hereditary spastic paraplegia. Last evaluated: 2021-03-08. Review status: criteria provided, single submitter. Criteria: ACMG Guidelines, 2015. Collection method: clinical testing. Allele origin: germline. Affected: yes.

GeneDx
Classification: Likely benign. Last evaluated: 2020-12-08. Review status: criteria provided, single submitter. Criteria: GeneDx Variant Classification Process June 2021. Collection method: clinical testing. Allele origin: germline. Affected: yes.

Baylor Genetics
Classification: Uncertain significance for Hereditary spastic paraplegia 48. Last evaluated: 2018-05-15. Review status: criteria provided, single submitter. Criteria: ACMG Guidelines, 2015. Collection method: clinical testing. Allele origin: unknown. Affected: yes.
Comment: This variant was determined to be of uncertain significance according to ACMG Guidelines, 2015 [PMID:25741868].

Illumina Laboratory Services, Illumina
Classification: Uncertain significance for Hereditary spastic paraplegia 48. Last evaluated: 2018-01-13. Review status: criteria provided, single submitter. Criteria: ICSL Variant Classification Criteria 13 December 2019. Collection method: clinical testing. Allele origin: germline.

PreventionGenetics, part of Exact Sciences
Classification: Likely benign for AP5Z1-related condition. Last evaluated: 2023-04-09. Review status: no assertion criteria provided. Collection method: clinical testing. Allele origin: germline. Not counted in ClinVar's aggregate classification.
Comment: This variant is classified as likely benign based on ACMG/AMP sequence variant interpretation guidelines (Richards et al. 2015 PMID: 25741868, with internal and published modifications).

Dr. Peter K. Rogan Lab, Western University
No classification provided (evidence only). Condition: Clear cell carcinoma of kidney. Review status: no classification provided. Collection method: in vitro. Allele origin: not applicable. Functional consequence: retained intron. Not counted in ClinVar's aggregate classification.

Dr. Peter K. Rogan Lab, Western University
No classification provided (evidence only). Condition: Lung cancer. Review status: no classification provided. Collection method: in vitro. Allele origin: not applicable. Functional consequence: retained intron. Not counted in ClinVar's aggregate classification.

Dr. Peter K. Rogan Lab, Western University
No classification provided (evidence only). Condition: Melanoma. Review status: no classification provided. Collection method: in vitro. Allele origin: not applicable. Functional consequence: retained intron. Not counted in ClinVar's aggregate classification.

Dr. Peter K. Rogan Lab, Western University
No classification provided (evidence only). Condition: Colon adenocarcinoma. Review status: no classification provided. Collection method: in vitro. Allele origin: not applicable. Functional consequence: retained intron. Not counted in ClinVar's aggregate classification.

Dr. Peter K. Rogan Lab, Western University
No classification provided (evidence only). Condition: Colon adenocarcinoma. Review status: no classification provided. Collection method: in vitro. Allele origin: not applicable. Functional consequence: retained intron. Not counted in ClinVar's aggregate classification.

Dr. Peter K. Rogan Lab, Western University
No classification provided (evidence only). Condition: Thyroid cancer, nonmedullary, 1. Review status: no classification provided. Collection method: in vitro. Allele origin: not applicable. Functional consequence: retained intron. Not counted in ClinVar's aggregate classification.

Dr. Peter K. Rogan Lab, Western University
No classification provided (evidence only). Condition: Thyroid cancer, nonmedullary, 1. Review status: no classification provided. Collection method: in vitro. Allele origin: not applicable. Functional consequence: retained intron. Not counted in ClinVar's aggregate classification.

Dr. Peter K. Rogan Lab, Western University
No classification provided (evidence only). Condition: Thyroid cancer, nonmedullary, 1. Review status: no classification provided. Collection method: in vitro. Allele origin: not applicable. Functional consequence: cryptic splice site. Not counted in ClinVar's aggregate classification.

Dr. Peter K. Rogan Lab, Western University
No classification provided (evidence only). Condition: Malignant lymphoma, large B-cell, diffuse. Review status: no classification provided. Collection method: in vitro. Allele origin: not applicable. Functional consequence: cryptic splice site, retained intron. Not counted in ClinVar's aggregate classification.

Dr. Peter K. Rogan Lab, Western University
No classification provided (evidence only). Condition: Hepatocellular carcinoma. Review status: no classification provided. Collection method: in vitro. Allele origin: not applicable. Functional consequence: retained intron. Not counted in ClinVar's aggregate classification.

Dr. Peter K. Rogan Lab, Western University
No classification provided (evidence only). Condition: Thymoma. Review status: no classification provided. Collection method: in vitro. Allele origin: not applicable. Functional consequence: retained intron. Not counted in ClinVar's aggregate classification.

Dr. Peter K. Rogan Lab, Western University
No classification provided (evidence only). Condition: Thymoma. Review status: no classification provided. Collection method: in vitro. Allele origin: not applicable. Functional consequence: skipped exon, retained intron. Not counted in ClinVar's aggregate classification.

Dr. Peter K. Rogan Lab, Western University
No classification provided (evidence only). Condition: Ovarian serous cystadenocarcinoma. Review status: no classification provided. Collection method: in vitro. Allele origin: not applicable. Functional consequence: retained intron. Not counted in ClinVar's aggregate classification.

Dr. Peter K. Rogan Lab, Western University
No classification provided (evidence only). Condition: Ovarian serous cystadenocarcinoma. Review status: no classification provided. Collection method: in vitro. Allele origin: not applicable. Functional consequence: retained intron. Not counted in ClinVar's aggregate classification.

Dr. Peter K. Rogan Lab, Western University
No classification provided (evidence only). Condition: Malignant tumor of esophagus. Review status: no classification provided. Collection method: in vitro. Allele origin: not applicable. Functional consequence: skipped exon, retained intron. Not counted in ClinVar's aggregate classification.

Literature cited by the submitters: PubMed 20613862 (cited by Athena Diagnostics).

NM_014855.3(AP5Z1):c.481G>A (p.Val161Met)

Gene: AP5Z1 (adaptor related protein complex 5 subunit zeta 1; plus strand). Cytogenetic location: 7p22.1.
Variant type: single nucleotide variant.
Coding change: c.481G>A on transcript NM_014855.3 (MANE Select); coding-DNA position 481, G replaced by A.
Protein change: p.Val161Met; replaces valine 161 with methionine.
Molecular consequence: missense variant. On other transcripts: non-coding transcript variant (1).
Genome position (GRCh38, 1-based): chr7:4,783,430, G>A. VCF-style: chr7-4783430-G-A. GRCh37 (hg19) VCF-style: chr7-4823061-G-A.
Other names: c.481G>A, p.Val161Met (LRG_1247t1); c.13G>A, p.Val5Met (NM_001364858.1); short protein forms V161M, V5M.
Identifiers: ClinVar variation 240943 (VCV000240943.52), dbSNP rs191971593, ClinGen allele CA4137222.